The following is an entry in ClinVar:

NM_002386.4(MC1R):c.894_895insATCGACCCCCTCATCCTG (p.Tyr298_Ala299insIleAspProLeuIleLeu)

Gene: MC1R (melanocortin 1 receptor; plus strand). Cytogenetic location: 16q24.3.
Variant type: Insertion.
Coding change: c.894_895insATCGACCCCCTCATCCTG on transcript NM_002386.4 (MANE Select); coding-DNA positions 894 to 895, ATCGACCCCCTCATCCTG inserted.
Protein change: p.Tyr298_Ala299insIleAspProLeuIleLeu.
Molecular consequence: inframe insertion.
Genome position: GRCh38 VCF-style: chr16-89920152-C-CATCGACCCCCTCATCCTG. GRCh37 (hg19) VCF-style: chr16-89986560-C-CATCGACCCCCTCATCCTG.
Identifiers: ClinVar variation 2903029 (VCV002903029.3), dbSNP rs751594275, ClinGen allele CA8255798.
Genomic context (GRCh38, chr16:89,920,152, plus strand): 5'-GAACTTCAACCTCTTTCTCGCCCTCATCATCTGCAATGCCATCATCGACCCCCTCATCTA[C>CATCGACCCCCTCATCCTG]GCCTTCCACAGCCAGGAGCTCCGCAGGACGCTCAAGGAGGTGCTGACATGCTCCTGGTGA-3'

ClinVar aggregate classification (germline): Uncertain significance (1 of 4 stars; one submission).

Conditions:
Melanoma, cutaneous malignant, susceptibility to, 5. Also called: Cutaneous malignant melanoma 5. Identifiers: Orphanet 618, MedGen C2751295, MONDO:0013133, OMIM 613099.

Allele frequency attached by ClinVar (database versions not stated): gnomAD exomes below 0.00001; ExAC 0.00001.

Submission:

Labcorp Genetics (formerly Invitae), Labcorp
Classification: Uncertain significance for Melanoma, cutaneous malignant, susceptibility to, 5. Last evaluated: 2023-12-31. Review status: criteria provided, single submitter. Criteria: Invitae Variant Classification Sherloc (09022015). Collection method: clinical testing. Allele origin: germline.
Comment: This variant, c.894_895ins18, results in the insertion of 6 amino acid(s) of the MC1R protein (p.Tyr298_Ala299ins6), but otherwise preserves the integrity of the reading frame. This variant is present in population databases (rs751594275, gnomAD 0.0009%). This variant has not been reported in the literature in individuals affected with MC1R-related conditions. Experimental studies and prediction algorithms are not available or were not evaluated, and the functional significance of this variant is currently unknown. In summary, the available evidence is currently insufficient to determine the role of this variant in disease. Therefore, it has been classified as a Variant of Uncertain Significance.